The following is an entry in ClinVar:

ClinVar aggregate classification (germline): Uncertain significance (1 of 4 stars; one submission).

Allele frequency attached by ClinVar (database versions not stated): TOPMed below 0.00001; gnomAD 0.00001.
gnomAD v4.1: 44 of 1,593,228 alleles (0.0028%); highest among the groups gnomAD compares: Non-Finnish European, 0.0036%; no homozygotes.

Submission:

Labcorp Genetics (formerly Invitae), Labcorp
Classification: Uncertain significance. Last evaluated: 2024-08-28. Review status: criteria provided, single submitter. Criteria: Invitae Variant Classification Sherloc (09022015). Collection method: clinical testing. Allele origin: germline.
Comment: This sequence change replaces aspartic acid, which is acidic and polar, with glutamic acid, which is acidic and polar, at codon 437 of the NFKB1 protein (p.Asp437Glu). This variant is present in population databases (no rsID available, gnomAD 0.003%). This variant has not been reported in the literature in individuals affected with NFKB1-related conditions. ClinVar contains an entry for this variant (Variation ID: 1438539). An algorithm developed to predict the effect of missense changes on protein structure and function (PolyPhen-2) suggests that this variant is likely to be tolerated. In summary, the available evidence is currently insufficient to determine the role of this variant in disease. Therefore, it has been classified as a Variant of Uncertain Significance.

NM_003998.4(NFKB1):c.1311C>G (p.Asp437Glu)

Gene: NFKB1 (nuclear factor kappa B subunit 1; plus strand). Cytogenetic location: 4q24.
Variant type: single nucleotide variant.
Coding change: c.1311C>G on transcript NM_003998.4 (MANE Select); coding-DNA position 1311, C replaced by G.
Protein change: p.Asp437Glu; replaces aspartic acid 437 with glutamic acid.
Molecular consequence: missense variant.
Genome position (GRCh38, 1-based): chr4:102,596,148, C>G. VCF-style: chr4-102596148-C-G. GRCh37 (hg19) VCF-style: chr4-103517305-C-G.
Other names: c.1308C>G, p.Asp436Glu (NM_001165412.2, NM_001319226.2, NM_001382627.1); c.1311C>G, p.Asp437Glu (NM_001382625.1, NM_001382626.1); c.1269C>G, p.Asp423Glu (NM_001382628.1); short protein forms D437E, D423E, D436E.
Identifiers: ClinVar variation 1438539 (VCV001438539.8), dbSNP rs758656960, ClinGen allele CA357750823.